The following is an entry in ClinVar:

ClinVar aggregate classification (germline): Uncertain significance (1 of 4 stars; one submission).

Conditions:
PHIP-related disorder. Also called: PHIP-related condition; PHIP-related disorders.

Submission:

PreventionGenetics, part of Exact Sciences
Classification: Uncertain significance for PHIP-related condition. Last evaluated: 2025-09-29. Review status: criteria provided, single submitter. Criteria: ACMG Guidelines, 2015. Collection method: clinical testing. Allele origin: germline.
Comment: The PHIP c.2016A>G variant is not predicted to result in an amino acid change (p.=). This variant is predicted to alter splicing based on available splicing prediction software (SpliceAI, Jaganathan et al. 2019. PubMed ID: 30661751). However, the use of computer prediction softwares is not equivalent to functional evidence. To our knowledge, this variant has not been reported in the literature or in a large population database (gnomAD), indicating this variant is rare. At this time, the clinical significance of this variant is uncertain due to the absence of conclusive functional and genetic evidence.

NM_017934.7(PHIP):c.2016A>G (p.Arg672=)

Gene: PHIP (PHIP subunit of CUL4-Ring ligase complex; minus strand). Cytogenetic location: 6q14.1.
Variant type: single nucleotide variant.
Coding change: c.2016A>G on transcript NM_017934.7 (MANE Select); coding-DNA position 2016, A replaced by G.
Protein change: p.Arg672=; no amino-acid change (arginine 672 retained).
Molecular consequence: synonymous variant.
Genome position (GRCh38, 1-based): chr6:78,998,255, T>C on the plus strand (A>G on the coding strand, the complement: PHIP is on the minus strand). VCF-style: chr6-78998255-T-C. GRCh37 (hg19) VCF-style: chr6-79707972-T-C.
Identifiers: ClinVar variation 4991253 (VCV004991253.1).
Genomic context (GRCh38, chr6:78,998,255, plus strand): 5'-GGAGATTTAGGCTGTTTCAAATTTTTAAATATTTCACTTAAAATAGAATACCTGCTTACC[T>C]CTACTTAAACGGCTGGTATTACTGATAACTGCTTCACCAGAACGTCTCAGGTCTTGCTCC-3'
Protein context (NP_060404.4, residues 662-682): AVISNTSRLS[Arg672=]GSISSTSEVH